The following is an entry in ClinVar:

NM_000611.6(CD59):c.23T>C (p.Val8Ala)

Gene: CD59 (CD59 molecule (CD59 blood group); minus strand). Cytogenetic location: 11p13.
Variant type: single nucleotide variant.
Coding change: c.23T>C on transcript NM_000611.6 (MANE Select); coding-DNA position 23, T replaced by C.
Protein change: p.Val8Ala; replaces valine 8 with alanine.
Molecular consequence: missense variant.
Genome position (GRCh38, 1-based): chr11:33,722,423, A>G on the plus strand (T>C on the coding strand, the complement: CD59 is on the minus strand). VCF-style: chr11-33722423-A-G. GRCh37 (hg19) VCF-style: chr11-33743969-A-G.
Other names: c.23T>C, p.Val8Ala (NM_001127223.1, NM_001127225.2, NM_001127226.2 and 4 more transcripts); short protein forms V8A.
Identifiers: ClinVar variation 1976265 (VCV001976265.5), dbSNP rs377286139, ClinGen allele CA219604153.
Genomic context (GRCh38, chr11:33,722,423, plus strand): 5'-AGACTGGAGCACTCACCTGAATGGCAGAAGACAGCCAGGACGAGCAGCAGCCCGAACAGG[A>G]CAGACCCTCCTTGGATTCCCATTGTGATTGTCCACAGAACCTGGAAGGAAGGGACAGGAA-3'
Protein context (NP_000602.1, residues 1-18): MGIQGGS[Val8Ala]LFGLLLVLAV

ClinVar aggregate classification (germline): Uncertain significance (1 of 4 stars; one submission).

Allele frequency attached by ClinVar (database versions not stated): gnomAD exomes below 0.00001; ESP Exome Variant Server 0.00008.
gnomAD v4.1: 2 of 1,614,100 alleles (0.00012%); highest among the groups gnomAD compares: African/African-American, 0.0013%; no homozygotes.

Submission:

Labcorp Genetics (formerly Invitae), Labcorp
Classification: Uncertain significance. Last evaluated: 2022-06-09. Review status: criteria provided, single submitter. Criteria: Invitae Variant Classification Sherloc (09022015). Collection method: clinical testing. Allele origin: germline.
Comment: In summary, the available evidence is currently insufficient to determine the role of this variant in disease. Therefore, it has been classified as a Variant of Uncertain Significance. Algorithms developed to predict the effect of missense changes on protein structure and function output the following: SIFT: "Tolerated"; PolyPhen-2: "Possibly Damaging"; Align-GVGD: "Class C0". The alanine amino acid residue is found in multiple mammalian species, which suggests that this missense change does not adversely affect protein function. This variant has not been reported in the literature in individuals affected with CD59-related conditions. This variant is present in population databases (rs377286139, gnomAD 0.007%). This sequence change replaces valine, which is neutral and non-polar, with alanine, which is neutral and non-polar, at codon 8 of the CD59 protein (p.Val8Ala).